The following is an entry in ClinVar:

NM_004304.5(ALK):c.990G>T (p.Lys330Asn)

Gene: ALK (ALK receptor tyrosine kinase; minus strand). Cytogenetic location: 2p23.2.
Variant type: single nucleotide variant.
Coding change: c.990G>T on transcript NM_004304.5 (MANE Select); coding-DNA position 990, G replaced by T.
Protein change: p.Lys330Asn; replaces lysine 330 with asparagine.
Molecular consequence: missense variant.
Genome position (GRCh38, 1-based): chr2:29,532,079, C>A on the plus strand (G>T on the coding strand, the complement: ALK is on the minus strand). VCF-style: chr2-29532079-C-A. GRCh37 (hg19) VCF-style: chr2-29754945-C-A.
Other names: short protein forms K330N.
Identifiers: ClinVar variation 2561065 (VCV002561065.4), dbSNP rs1247687646, ClinGen allele CA346587515.

ClinVar aggregate classification (germline): Uncertain significance. Review status: criteria provided, multiple submitters, no conflicts (2 of 4 stars). 2 submissions from 2 submitters: Uncertain significance (2). Last evaluated 2024-09-18.

Conditions:
Hereditary cancer-predisposing syndrome. Also called: Tumor predisposition; Hereditary neoplastic syndrome; Neoplastic Syndromes, Hereditary; Hereditary Cancer Syndrome. Identifiers: Orphanet 140162, MedGen C0027672, MeSH D009386, MONDO:0015356.
Neuroblastoma, susceptibility to, 3. Also called: ALK-Related Neuroblastic Tumor Susceptibility. Identifiers: Orphanet 635, MedGen C2751681, MONDO:0013083, OMIM 613014.

Submissions (2):

Labcorp Genetics (formerly Invitae), Labcorp
Classification: Uncertain significance for Neuroblastoma, susceptibility to, 3. Last evaluated: 2024-09-18. Review status: criteria provided, single submitter. Criteria: Invitae Variant Classification Sherloc (09022015). Collection method: clinical testing. Allele origin: germline.
Comment: This sequence change replaces lysine, which is basic and polar, with asparagine, which is neutral and polar, at codon 330 of the ALK protein (p.Lys330Asn). This variant is not present in population databases (gnomAD no frequency). This variant has not been reported in the literature in individuals affected with ALK-related conditions. ClinVar contains an entry for this variant (Variation ID: 2561065). An algorithm developed to predict the effect of missense changes on protein structure and function (PolyPhen-2) suggests that this variant is likely to be tolerated. In summary, the available evidence is currently insufficient to determine the role of this variant in disease. Therefore, it has been classified as a Variant of Uncertain Significance.

Ambry Genetics
Classification: Uncertain significance for Hereditary cancer-predisposing syndrome. Last evaluated: 2023-04-28. Review status: criteria provided, single submitter. Criteria: Ambry Variant Classification Scheme 2023. Collection method: clinical testing. Allele origin: germline.
Comment: The p.K330N variant (also known as c.990G>T), located in coding exon 4 of the ALK gene, results from a G to T substitution at nucleotide position 990. The lysine at codon 330 is replaced by asparagine, an amino acid with similar properties. This amino acid position is conserved. In addition, this alteration is predicted to be tolerated by in silico analysis. Since supporting evidence is limited at this time, the clinical significance of this alteration remains unclear.